The following is an entry in ClinVar:

NM_177965.4(CFAP418):c.151C>T (p.Leu51Phe)

Genes: CFAP418 (cilia and flagella associated protein 418; minus strand), CFAP418-AS1 (CFAP418 antisense RNA 1; plus strand), LOC130000784 (ATAC-STARR-seq lymphoblastoid active region 27655; plus strand). Cytogenetic location: 8q22.1.
Variant type: single nucleotide variant.
Coding change: c.151C>T on transcript NM_177965.4 (MANE Select); coding-DNA position 151, C replaced by T.
Protein change: p.Leu51Phe; replaces leucine 51 with phenylalanine.
Molecular consequence: missense variant.
Genome position (GRCh38, 1-based): chr8:95,269,039, G>A on the plus strand (C>T on the coding strand, the complement: CFAP418 is on the minus strand). VCF-style: chr8-95269039-G-A. GRCh37 (hg19) VCF-style: chr8-96281267-G-A.
Other names: c.151C>T, p.Leu51Phe (NM_001363260.1); short protein forms L51F.
Identifiers: ClinVar variation 1681146 (VCV001681146.6), dbSNP rs2132171150, ClinGen allele CA371837738.

ClinVar aggregate classification (germline): Uncertain significance (1 of 4 stars; one submission).

Allele frequency attached by ClinVar (database versions not stated): gnomAD exomes below 0.00001.
gnomAD v4.1: 1 of 1,614,028 alleles (0.000062%); no homozygotes.

Submission:

Labcorp Genetics (formerly Invitae), Labcorp
Classification: Uncertain significance. Last evaluated: 2022-03-19. Review status: criteria provided, single submitter. Criteria: Invitae Variant Classification Sherloc (09022015). Collection method: clinical testing. Allele origin: germline.
Comment: In summary, the available evidence is currently insufficient to determine the role of this variant in disease. Therefore, it has been classified as a Variant of Uncertain Significance. Algorithms developed to predict the effect of missense changes on protein structure and function (SIFT, PolyPhen-2, Align-GVGD) all suggest that this variant is likely to be tolerated. This sequence change replaces leucine, which is neutral and non-polar, with phenylalanine, which is neutral and non-polar, at codon 51 of the C8orf37 protein (p.Leu51Phe). This variant is not present in population databases (gnomAD no frequency). This variant has not been reported in the literature in individuals affected with C8orf37-related conditions.